The following is an entry in ClinVar:

ClinVar aggregate classification (germline): Uncertain significance (1 of 4 stars; one submission).

Allele frequency attached by ClinVar (database versions not stated): gnomAD exomes below 0.00001.
gnomAD v4.1: 1 of 1,551,352 alleles (0.000064%); highest among the groups gnomAD compares: Non-Finnish European, 0.000089%; no homozygotes.

Submission:

Labcorp Genetics (formerly Invitae), Labcorp
Classification: Uncertain significance. Last evaluated: 2022-11-22. Review status: criteria provided, single submitter. Criteria: Invitae Variant Classification Sherloc (09022015). Collection method: clinical testing. Allele origin: germline.
Comment: In summary, the available evidence is currently insufficient to determine the role of this variant in disease. Therefore, it has been classified as a Variant of Uncertain Significance. Variants that disrupt the consensus splice site are a relatively common cause of aberrant splicing (PMID: 17576681, 9536098). Algorithms developed to predict the effect of sequence changes on RNA splicing suggest that this variant is not likely to affect RNA splicing. This variant has not been reported in the literature in individuals affected with HMCN1-related conditions. This variant is not present in population databases (gnomAD no frequency). This sequence change falls in intron 47 of the HMCN1 gene. It does not directly change the encoded amino acid sequence of the HMCN1 protein. It affects a nucleotide within the consensus splice site.

Literature cited by the submitters: PubMed 17576681; PubMed 9536098.

NM_031935.3(HMCN1):c.7426+5T>C

Gene: HMCN1 (hemicentin 1; plus strand). Cytogenetic location: 1q31.1.
Variant type: single nucleotide variant.
Coding change: c.7426+5T>C on transcript NM_031935.3 (MANE Select); 5 bases into the intron after coding-DNA position 7426, T replaced by C.
Molecular consequence: intron variant.
Genome position (GRCh38, 1-based): chr1:186,061,969, T>C. VCF-style: chr1-186061969-T-C. GRCh37 (hg19) VCF-style: chr1-186031101-T-C.
Identifiers: ClinVar variation 1955158 (VCV001955158.5), dbSNP rs2527753023, ClinGen allele CA2580061669.